The following is an entry in ClinVar:

NM_001034850.3(RETREG1):c.55G>T (p.Ala19Ser)

Genes: RETREG1-AS1 (RETREG1 antisense RNA 1; plus strand), RETREG1 (reticulophagy regulator 1; minus strand), LOC129993734 (ATAC-STARR-seq lymphoblastoid silent region 15947; plus strand). Cytogenetic location: 5p15.1.
Variant type: single nucleotide variant.
Coding change: c.55G>T on transcript NM_001034850.3 (MANE Select); coding-DNA position 55, G replaced by T.
Protein change: p.Ala19Ser; replaces alanine 19 with serine.
Molecular consequence: missense variant.
Genome position (GRCh38, 1-based): chr5:16,616,917, C>A on the plus strand (G>T on the coding strand, the complement: RETREG1 is on the minus strand). VCF-style: chr5-16616917-C-A. GRCh37 (hg19) VCF-style: chr5-16617026-C-A.
Other names: short protein forms A19S.
Identifiers: ClinVar variation 1033223 (VCV001033223.1), dbSNP rs1399809860, ClinGen allele CA359293118.

ClinVar aggregate classification (germline): Uncertain significance (1 of 4 stars; one submission).

Conditions:
Neuropathy, hereditary sensory and autonomic, type 2B (HSAN2B). Also called: RETREG1-Related HSAN2 (HSAN2B). Identifiers: Orphanet 970, MedGen C2751092, MONDO:0013142, OMIM 613115.

Allele frequency attached by ClinVar (database versions not stated): TOPMed 0.00003.
gnomAD v4.1: 7 of 1,476,832 alleles (0.00047%); highest among the groups gnomAD compares: African/African-American, 0.0088%; no homozygotes.

Submission:

Baylor Genetics
Classification: Uncertain significance for Neuropathy, hereditary sensory and autonomic, type 2B. Last evaluated: 2018-01-29. Review status: criteria provided, single submitter. Criteria: ACMG Guidelines, 2015. Collection method: clinical testing. Allele origin: maternal. Affected: yes.
Comment: This variant was determined to be of uncertain significance according to ACMG Guidelines, 2015 [PMID:25741868].